The following is an entry in ClinVar:

NM_017841.4(SDHAF2):c.410T>G (p.Met137Arg)

Gene: SDHAF2 (succinate dehydrogenase complex assembly factor 2; plus strand). Cytogenetic location: 11q12.2.
Variant type: single nucleotide variant.
Coding change: c.410T>G on transcript NM_017841.4 (MANE Select); coding-DNA position 410, T replaced by G.
Protein change: p.Met137Arg; replaces methionine 137 with arginine.
Molecular consequence: missense variant.
Genome position (GRCh38, 1-based): chr11:61,445,980, T>G. VCF-style: chr11-61445980-T-G. GRCh37 (hg19) VCF-style: chr11-61213452-T-G.
Other names: short protein forms M137R.
Identifiers: ClinVar variation 960178 (VCV000960178.9), dbSNP rs367574730, ClinGen allele CA380685328.

ClinVar aggregate classification (germline): Uncertain significance (1 of 4 stars; one submission).

Conditions:
Hereditary pheochromocytoma and paraganglioma. Also called: Hereditary pheochromocytoma-paraganglioma; Hereditary Paraganglioma-Pheochromocytoma Syndromes; Hereditary paragangliomas and pheochromocytomas. Identifiers: Orphanet 29072, MedGen C4274332, MONDO:0017366.

Submission:

Labcorp Genetics (formerly Invitae), Labcorp
Classification: Uncertain significance for Hereditary pheochromocytoma and paraganglioma. Last evaluated: 2019-10-09. Review status: criteria provided, single submitter. Criteria: Invitae Variant Classification Sherloc (09022015). Collection method: clinical testing. Allele origin: germline.
Comment: This sequence change replaces methionine with arginine at codon 137 of the SDHAF2 protein (p.Met137Arg). The methionine residue is highly conserved and there is a moderate physicochemical difference between methionine and arginine. This variant is not present in population databases (ExAC no frequency). In summary, the available evidence is currently insufficient to determine the role of this variant in disease. Therefore, it has been classified as a Variant of Uncertain Significance. Algorithms developed to predict the effect of missense changes on protein structure and function (SIFT, PolyPhen-2, Align-GVGD) all suggest that this variant is likely to be disruptive, but these predictions have not been confirmed by published functional studies and their clinical significance is uncertain. This variant has not been reported in the literature in individuals with SDHAF2-related conditions.